The following is an entry in ClinVar:

NM_004539.4(NARS1):c.1067A>C (p.Asp356Ala)

Gene: NARS1 (asparaginyl-tRNA synthetase 1; minus strand). Cytogenetic location: 18q21.31.
Variant type: single nucleotide variant.
Coding change: c.1067A>C on transcript NM_004539.4 (MANE Select); coding-DNA position 1067, A replaced by C.
Protein change: p.Asp356Ala; replaces aspartic acid 356 with alanine.
Molecular consequence: missense variant.
Genome position (GRCh38, 1-based): chr18:57,606,686, T>G on the plus strand (A>C on the coding strand, the complement: NARS1 is on the minus strand). VCF-style: chr18-57606686-T-G. GRCh37 (hg19) VCF-style: chr18-55273918-T-G.
Other names: short protein forms D356A.
Identifiers: ClinVar variation 983068 (VCV000983068.50), dbSNP rs138016359, ClinGen allele CA8973530.

ClinVar aggregate classification (germline): Conflicting classifications of pathogenicity. Review status: criteria provided, conflicting classifications (1 of 4 stars). 15 submissions from 15 submitters: Likely pathogenic (8); Uncertain significance (6). 1 of the submissions does not count toward it. Last evaluated 2025-12-02.

Conditions:
Neurodevelopmental disorder with microcephaly, impaired language, and gait abnormalities. Identifiers: MedGen C5436783, MONDO:0100348, OMIM 619091.
Neurodevelopmental disorder. Identifiers: MedGen C1535926, MeSH D065886, MONDO:0700092.

Allele frequency attached by ClinVar (database versions not stated): 1000 Genomes Project 30x 0.00016; 1000 Genomes Project 0.00020; gnomAD 0.00085 and 0.00088; TOPMed 0.00091; gnomAD exomes 0.00096 and 0.00114; ExAC 0.00100; ESP Exome Variant Server 0.00115.
gnomAD v4.1: 1,821 of 1,613,954 alleles (0.11%); highest among the groups gnomAD compares: Non-Finnish European, 0.14%; 2 homozygotes.

Submissions (15):

Women's Health and Genetics/Laboratory Corporation of America, LabCorp
Classification: Uncertain significance. Last evaluated: 2025-12-02. Review status: criteria provided, single submitter. Criteria: LabCorp Variant Classification Summary - May 2015. Collection method: clinical testing. Allele origin: germline.
Comment: Variant summary: NARS1 c.1067A>C (p.Asp356Ala) results in a non-conservative amino acid change in the encoded protein sequence. Algorithms developed to predict the effect of missense changes on protein structure and function are either unavailable or do not agree on the potential impact of this missense change. The variant allele was found at a frequency of 0.00093 in 282838 control chromosomes. This frequency is not significantly higher than estimated for disease-causing variants in NARS1, allowing no conclusion about variant significance. c.1067A>C has been observed in the compound heterozygous state in a pair of siblings affected with autosomal recessive Neurodevelopmental Disorder With Microcephaly, Impaired Language, And Gait Abnormalities. These data indicate that the variant may be associated with disease. To our knowledge, no experimental evidence demonstrating an impact on protein function has been reported. The following publication has been ascertained in the context of this evaluation (PMID: 32738225). ClinVar contains an entry for this variant (Variation ID: 983068). To our knowledge, this variant has not been reported in individuals with autosomal dominant NARS1-related conditions. Based on the evidence outlined above, the variant was classified as VUS-possibly pathogenic for autosomal recessive Neurodevelopmental Disorder With Microcephaly, Impaired Language, And Gait Abnormalities.

First Genomix Gene Laboratory, Genetic Diagnostics Department
Classification: Likely pathogenic for Neurodevelopmental disorder with microcephaly, impaired language, and gait abnormalities. Last evaluated: 2025-09-17. Review status: criteria provided, single submitter. Criteria: ACMG Guidelines, 2015. Collection method: clinical testing. Allele origin: germline. Inheritance: Autosomal recessive inheritance. Affected: no. Observed: 1 variant allele.

Revvity Omics, Revvity
Classification: Likely pathogenic. Last evaluated: 2025-03-28. Review status: criteria provided, single submitter. Criteria: ACMG Guidelines, 2015. Collection method: clinical testing. Allele origin: germline.

CeGaT Center for Human Genetics Tuebingen
Classification: Uncertain significance. Last evaluated: 2025-02-01. Review status: criteria provided, single submitter. Criteria: CeGaT Center For Human Genetics Tuebingen Variant Classification Criteria Version 2. Collection method: clinical testing. Allele origin: germline. Affected: yes. Observed: 8 variant alleles.
Comment: NARS1: PM3, PS3:Moderate, PM2:Supporting, BP4

3billion
Classification: Uncertain significance for Neurodevelopmental disorder with microcephaly, impaired language, and gait abnormalities. Last evaluated: 2024-12-09. Review status: criteria provided, single submitter. Criteria: ACMG Guidelines, 2015. Collection method: clinical testing. Allele origin: germline. Affected: yes.
Comment: The variant is observed at an extremely low frequency in the gnomAD v4.1.0 dataset (total allele frequency: 0.113%). Predicted Consequence/Location: Missense variant Functional studies provide strong evidence of the variant having a damaging effect on the gene or gene product (PMID: 32788587). In silico tool predictions suggest no damaging effect of the variant on gene or gene product [REVEL: 0.38 (<0.4); 3Cnet: 0.03 (<0.15, specificity 0.78 and negative predictive value 0.92)]. The same nucleotide change resulting in the same amino acid change has been previously reported as pathogenic/likely pathogenic/uncertain significance (ClinVar ID: VCV000983068 /PMID: 32738225, 32788587). Therefore, this variant is classified as VUS according to the recommendation of ACMG/AMP guideline.

Genomic Medicine Center of Excellence, King Faisal Specialist Hospital and Research Centre
Classification: Uncertain significance for Neurodevelopmental disorder with microcephaly, impaired language, and gait abnormalities. Last evaluated: 2024-03-29. Review status: criteria provided, single submitter. Criteria: ACMG Guidelines, 2015. Collection method: clinical testing. Allele origin: germline.

Baylor Genetics
Classification: Likely pathogenic for Neurodevelopmental disorder with microcephaly, impaired language, and gait abnormalities. Last evaluated: 2023-12-29. Review status: criteria provided, single submitter. Criteria: ACMG Guidelines, 2015. Collection method: clinical testing. Allele origin: unknown.

ARUP Laboratories, Molecular Genetics and Genomics, ARUP Laboratories
Classification: Likely pathogenic. Last evaluated: 2023-12-05. Review status: criteria provided, single submitter. Criteria: ARUP Molecular Germline Variant Investigation Process 2024. Collection method: clinical testing. Allele origin: germline.
Comment: The NARS1 c.1067A>C; p.Asp356Ala variant (rs138016359, ClinVar Variation ID: 983068), is reported in the literature in several affected siblings in trans to a frameshift variant (Wang 2020). This variant is found in the general population with an overall allele frequency of 0.093% (264/282838 alleles) in the Genome Aggregation Database (v2.1.1). Computational analyses are uncertain whether this variant is neutral or deleterious (REVEL: 0.38). Functional assays suggest the p.Asp356Ala variant is unstable and is associated with reduced protein levels and decreased enzymatic activity (Wang 2020, Manole 2020). Based on available information, this variant is considered to be likely pathogenic. References: Manole A et al. De Novo and Bi-allelic Pathogenic Variants in NARS1 Cause Neurodevelopmental Delay Due to Toxic Gain-of-Function and Partial Loss-of-Function Effects. Am J Hum Genet. 2020 Aug 6;107(2):311-324. PMID: 32738225. Wang L et al. Loss of NARS1 impairs progenitor proliferation in cortical brain organoids and leads to microcephaly. Nat Commun. 2020 Aug 12;11(1):4038. PMID: 32788587.

Department of Pathology and Laboratory Medicine, Sinai Health System
Classification: Likely pathogenic for neurodevelopmental disorder with microcephaly, impaired language, and gait abnormalities. Last evaluated: 2022-11-29. Review status: criteria provided, single submitter. Criteria: ACMG Guidelines, 2015. Collection method: research. Allele origin: germline.

Ambry Genetics
Classification: Uncertain significance. Last evaluated: 2022-06-08. Review status: criteria provided, single submitter. Criteria: Ambry Variant Classification Scheme 2023. Collection method: clinical testing. Allele origin: germline.
Comment: Unlikely to be causative of autosomal dominant cytoplasmic asparaginyl-tRNA synthetase deficiency (AD) Based on insufficient or conflicting evidence, the clinical significance of this alteration remains unclear.

GeneDx
Classification: Uncertain significance. Last evaluated: 2022-03-22. Review status: criteria provided, single submitter. Criteria: GeneDx Variant Classification Process June 2021. Collection method: clinical testing. Allele origin: germline. Affected: yes.
Comment: Observed in the heterozygous state along with a second variant in the NARS gene in siblings with microcephaly, seizures, intellectual disability, global developmental delay, and atrophy on brain MRI; however, familial segregation information is limited (Wang et al., 2020); In silico analysis supports that this missense variant has a deleterious effect on protein structure/function; This variant is associated with the following publications: (PMID: 32788587, 33827397, 32738225)

Laboratorio de Genetica e Diagnostico Molecular, Hospital Israelita Albert Einstein
Classification: Likely pathogenic. Last evaluated: 2021-10-14. Review status: criteria provided, single submitter. Criteria: ACMG Guidelines, 2015. Collection method: clinical testing. Allele origin: germline. Affected: yes.
Comment: ACMG classification criteria: PS3, PM3, PP1, BP4

SIB Swiss Institute of Bioinformatics
Classification: Likely pathogenic for Neurodevelopmental disorder with microcephaly, impaired language, and gait abnormalities. Last evaluated: 2021-05-10. Review status: criteria provided, single submitter. Criteria: ACMG Guidelines, 2015. Collection method: curation. Allele origin: unknown.
Comment: This variant is interpreted as likely pathogenic for Neurodevelopmental disorder with microcephaly, impaired language, and gait abnormalities, autosomal recessive. The following ACMG Tag(s) were applied: For recessive disorders, detected in trans with a pathogenic variant (PM3); Cosegregation with disease in multiple affected family members in a gene definitively known to cause the disease (PP1); Well-established functional studies show a deleterious effect (PS3).

Institute of Human Genetics, University of Leipzig Medical Center
Classification: Likely pathogenic for Neurodevelopmental disorder. Last evaluated: 2019-01-01. Review status: criteria provided, single submitter. Criteria: ACMG Guidelines, 2015. Collection method: clinical testing. Allele origin: unknown. Affected: yes.

OMIM
Classification: Pathogenic for NEURODEVELOPMENTAL DISORDER WITH MICROCEPHALY, IMPAIRED LANGUAGE, AND GAIT ABNORMALITIES. Last evaluated: 2020-11-18. Review status: no assertion criteria provided. Collection method: literature only. Allele origin: germline. Not counted in ClinVar's aggregate classification.

Literature cited by the submitters: PubMed 32738225 (cited by 5 submitters); PubMed 32788587 (cited by 4 submitters).